The following is an entry in ClinVar:

ClinVar aggregate classification (germline): Uncertain significance (1 of 4 stars; one submission).

Conditions:
Inborn genetic diseases. Identifiers: MedGen C0950123, MeSH D030342.

Submission:

Ambry Genetics
Classification: Uncertain significance for Inborn genetic diseases. Last evaluated: 2017-07-26. Review status: criteria provided, single submitter. Criteria: Ambry Variant Classification Scheme 2023. Collection method: clinical testing. Allele origin: germline.
Comment: The p.M1998V variant (also known as c.5992A>G), located in coding exon 18 of the NSD1 gene, results from an A to G substitution at nucleotide position 5992. The methionine at codon 1998 is replaced by valine, an amino acid with highly similar properties. This amino acid position is highly conserved in available vertebrate species. In addition, this alteration is predicted to be deleterious by in silico analysis. Since supporting evidence is limited at this time, the clinical significance of this variant remains unclear.

Literature cited by the submitters: PubMed 16222665.

NM_022455.5(NSD1):c.5992A>G (p.Met1998Val)

Gene: NSD1 (nuclear receptor binding SET domain protein 1; plus strand). Cytogenetic location: 5q35.3.
Variant type: single nucleotide variant.
Coding change: c.5992A>G on transcript NM_022455.5 (MANE Select); coding-DNA position 5992, A replaced by G.
Protein change: p.Met1998Val; replaces methionine 1998 with valine.
Molecular consequence: missense variant.
Genome position (GRCh38, 1-based): chr5:177,282,564, A>G. VCF-style: chr5-177282564-A-G. GRCh37 (hg19) VCF-style: chr5-176709565-A-G.
Other names: c.5119A>G, p.Met1707Val (NM_001365684.2, NM_001409308.1, NM_001409309.1 and 1 more transcripts); c.5992A>G, p.Met1998Val (NM_001409301.1, NM_001409302.1, NM_001409303.1); c.5572A>G, p.Met1858Val (NM_001409304.1); c.5239A>G, p.Met1747Val (NM_001409305.1); c.5230A>G, p.Met1744Val (NM_001409306.1, NM_001409307.1); short protein forms M1858V, M1707V, M1744V, M1998V, M1729V, M1747V.
Identifiers: ClinVar variation 1750912 (VCV001750912.2), dbSNP rs2127260931, ClinGen allele CA362315972.